The following is an entry in ClinVar:

ClinVar aggregate classification (germline): Uncertain significance. Review status: criteria provided, multiple submitters, no conflicts (2 of 4 stars). 3 submissions from 3 submitters: Uncertain significance (3). Last evaluated 2025-11-28.

Conditions:
Porokeratosis 3, disseminated superficial actinic type (POROK3). Also called: POROKERATOSIS 3, MULTIPLE TYPES; POROKERATOSIS 3, MIBELLI TYPE; POROKERATOSIS, DISSEMINATED SUPERFICIAL ACTINIC, 1. Identifiers: MedGen C1867981, MONDO:0008293, OMIM 175900.
Mevalonic aciduria (MEVA). Identifiers: Orphanet 29, MedGen C1959626, MONDO:0012481, OMIM 610377.
Hyperimmunoglobulin D with periodic fever (HIDS). Also called: HYPERIMMUNOGLOBULINEMIA D AND PERIODIC FEVER SYNDROME; Hyperimmunoglobulinemia D; Hyperimmunoglobulinemia D with periodic fever. Identifiers: Orphanet 343, MedGen C0398691, MONDO:0009849, OMIM 260920.

gnomAD v4.1: 11 of 1,614,016 alleles (0.00068%); highest among the groups gnomAD compares: Non-Finnish European, 0.00093%; no homozygotes.

Submissions (3):

Labcorp Genetics (formerly Invitae), Labcorp
Classification: Uncertain significance for Mevalonic aciduria; Hyperimmunoglobulin D with periodic fever; Porokeratosis 3, disseminated superficial actinic type. Last evaluated: 2025-11-28. Review status: criteria provided, single submitter. Criteria: Invitae Variant Classification Sherloc (09022015). Collection method: clinical testing. Allele origin: germline.
Comment: This sequence change replaces arginine, which is basic and polar, with leucine, which is neutral and non-polar, at codon 40 of the MVK protein (p.Arg40Leu). This variant is present in population databases (no rsID available, gnomAD 0.002%). This missense change has been observed in individual(s) with mevalonate kinase deficiency (PMID: 39052144). ClinVar contains an entry for this variant (Variation ID: 1516327). An algorithm developed to predict the effect of missense changes on protein structure and function outputs the following: PolyPhen-2: "Benign". The leucine amino acid residue is found in multiple mammalian species, which suggests that this missense change does not adversely affect protein function. In summary, the available evidence is currently insufficient to determine the role of this variant in disease. Therefore, it has been classified as a Variant of Uncertain Significance.

Center for Genomic Medicine, Rigshospitalet, Copenhagen University Hospital
Classification: Uncertain significance. Last evaluated: 2025-03-04. Review status: criteria provided, single submitter. Criteria: ACMG Guidelines, 2015. Collection method: clinical testing. Allele origin: germline.

Fulgent Genetics
Classification: Uncertain significance for Porokeratosis 3, disseminated superficial actinic type; Hyperimmunoglobulin D with periodic fever; Mevalonic aciduria. Last evaluated: 2022-04-01. Review status: criteria provided, single submitter. Criteria: ACMG Guidelines, 2015. Collection method: clinical testing. Allele origin: unknown.

Literature cited by the submitters: PubMed 39052144 (cited by Labcorp Genetics (formerly Invitae), Labcorp); PubMed 24531851 (cited by Center for Genomic Medicine, Rigshospitalet, Copenhagen University Hospital); PubMed 34145613 (cited by Center for Genomic Medicine, Rigshospitalet, Copenhagen University Hospital); PubMed 33917151 (cited by Center for Genomic Medicine, Rigshospitalet, Copenhagen University Hospital); PubMed 21708801 (cited by Center for Genomic Medicine, Rigshospitalet, Copenhagen University Hospital).

NM_000431.4(MVK):c.119G>T (p.Arg40Leu)

Gene: MVK (mevalonate kinase; plus strand). Cytogenetic location: 12q24.11.
Variant type: single nucleotide variant.
Coding change: c.119G>T on transcript NM_000431.4 (MANE Select); coding-DNA position 119, G replaced by T.
Protein change: p.Arg40Leu; replaces arginine 40 with leucine.
Molecular consequence: missense variant.
Genome position (GRCh38, 1-based): chr12:109,576,038, G>T. VCF-style: chr12-109576038-G-T. GRCh37 (hg19) VCF-style: chr12-110013843-G-T.
Other names: c.119G>T, p.Arg40Leu (NM_001114185.3, NM_001301182.2); short protein forms R40L.
Identifiers: ClinVar variation 1516327 (VCV001516327.8), dbSNP rs373095009, ClinGen allele CA243452384.